The following is an entry in ClinVar:

NM_015937.6(PIGT):c.167C>T (p.Ser56Leu)

Gene: PIGT (phosphatidylinositol glycan anchor biosynthesis class T; plus strand). Cytogenetic location: 20q13.12.
Variant type: single nucleotide variant.
Coding change: c.167C>T on transcript NM_015937.6 (MANE Select); coding-DNA position 167, C replaced by T.
Protein change: p.Ser56Leu; replaces serine 56 with leucine.
Molecular consequence: missense variant. On other transcripts: non-coding transcript variant (5).
Genome position (GRCh38, 1-based): chr20:45,416,323, C>T. VCF-style: chr20-45416323-C-T. GRCh37 (hg19) VCF-style: chr20-44044963-C-T.
Other names: c.167C>T, p.Ser56Leu (NM_001184728.3, NM_001184729.3, NM_001184730.3); c.167C>T (NM_015937.4, NM_015937.5); short protein forms S56L.
Identifiers: ClinVar variation 1402873 (VCV001402873.9), dbSNP rs745993015, ClinGen allele CA9877792.
Genomic context (GRCh38, chr20:45,416,323, plus strand): 5'-TCACCCCGCTGCCTTCCGGGGACGTAGCCGCCACATTCCAGTTCCGCACGCGCTGGGATT[C>T]GGAGCTTCAGCGGGAAGGAGGTGAGGGCGCGAGATCTGACCAGGGAAAGATTTCCGTAGT-3'
Protein context (NP_057021.2, residues 46-66): ATFQFRTRWD[Ser56Leu]ELQREGVSHY

ClinVar aggregate classification (germline): Uncertain significance. Review status: criteria provided, multiple submitters, no conflicts (2 of 4 stars). 3 submissions from 3 submitters: Uncertain significance (3). Last evaluated 2025-03-16.

Conditions:
Inborn genetic diseases. Identifiers: MedGen C0950123, MeSH D030342.
Multiple congenital anomalies-hypotonia-seizures syndrome 3 (MCAHS3). Also called: GLYCOSYLPHOSPHATIDYLINOSITOL BIOSYNTHESIS DEFECT 7. Identifiers: Orphanet 369837, MedGen C3809356, MONDO:0014165, OMIM 615398.

Allele frequency attached by ClinVar (database versions not stated): gnomAD exomes 0.00001 and 0.00004; ExAC 0.00003.

Submissions (3):

GeneDx
Classification: Uncertain significance. Last evaluated: 2025-03-16. Review status: criteria provided, single submitter. Criteria: GeneDx Variant Classification Process June 2021. Collection method: clinical testing. Allele origin: germline. Affected: yes.
Comment: In silico analysis indicates that this missense variant does not alter protein structure/function; Has not been previously published as pathogenic or benign to our knowledge

Ambry Genetics
Classification: Uncertain significance for Inborn genetic diseases. Last evaluated: 2024-09-11. Review status: criteria provided, single submitter. Criteria: Ambry Variant Classification Scheme 2023. Collection method: clinical testing. Allele origin: germline.

Labcorp Genetics (formerly Invitae), Labcorp
Classification: Uncertain significance for Multiple congenital anomalies-hypotonia-seizures syndrome 3. Last evaluated: 2024-05-06. Review status: criteria provided, single submitter. Criteria: Invitae Variant Classification Sherloc (09022015). Collection method: clinical testing. Allele origin: germline.
Comment: This sequence change replaces serine, which is neutral and polar, with leucine, which is neutral and non-polar, at codon 56 of the PIGT protein (p.Ser56Leu). The frequency data for this variant in the population databases is considered unreliable, as metrics indicate poor data quality at this position in the gnomAD database. This variant has not been reported in the literature in individuals affected with PIGT-related conditions. ClinVar contains an entry for this variant (Variation ID: 1402873). Advanced modeling of protein sequence and biophysical properties (such as structural, functional, and spatial information, amino acid conservation, physicochemical variation, residue mobility, and thermodynamic stability) performed at Invitae indicates that this missense variant is not expected to disrupt PIGT protein function with a negative predictive value of 80%. In summary, the available evidence is currently insufficient to determine the role of this variant in disease. Therefore, it has been classified as a Variant of Uncertain Significance.